The following is an entry in ClinVar:

ClinVar aggregate classification (germline): Uncertain significance (1 of 4 stars; one submission).

Conditions:
Inborn genetic diseases. Identifiers: MedGen C0950123, MeSH D030342.

Submission:

Ambry Genetics
Classification: Uncertain significance for Inborn genetic diseases. Last evaluated: 2026-07-29. Review status: criteria provided, single submitter. Criteria: Ambry Variant Classification Scheme 2023. Collection method: clinical testing. Allele origin: germline.
Comment: The p.D1413N variant (also known as c.4237G>A), located in coding exon 1 of the SAMD9 gene, results from a G to A substitution at nucleotide position 4237. The aspartic acid at codon 1413 is replaced by asparagine, an amino acid with highly similar properties. This amino acid position is conserved. In addition, this alteration is predicted to be tolerated by in silico analysis. Based on the available evidence, the clinical significance of this variant remains unclear.

NM_017654.4(SAMD9):c.4237G>A (p.Asp1413Asn)

Gene: SAMD9 (sterile alpha motif domain containing 9; minus strand). Cytogenetic location: 7q21.2.
Variant type: single nucleotide variant.
Coding change: c.4237G>A on transcript NM_017654.4 (MANE Select); coding-DNA position 4237, G replaced by A.
Protein change: p.Asp1413Asn; replaces aspartic acid 1413 with asparagine.
Molecular consequence: missense variant.
Genome position (GRCh38, 1-based): chr7:93,101,861, C>T on the plus strand (G>A on the coding strand, the complement: SAMD9 is on the minus strand). VCF-style: chr7-93101861-C-T. GRCh37 (hg19) VCF-style: chr7-92731174-C-T.
Other names: c.4237G>A, p.Asp1413Asn (NM_001193307.2); short protein forms D1413N.
Identifiers: ClinVar variation 5028775 (VCV005028775.1).
Genomic context (GRCh38, chr7:93,101,861, plus strand): 5'-AATACGGTTCTGAAAACTGATAAGTCAGTCCTATTGGTTGCAAGACTTCTCGAAGCTGAT[C>T]TTTTAGTTTTTCAACTGGCTTTACTAATCTGGAGGTAGGTTGGATACAGGAGAGAATAAT-3'
Protein context (NP_060124.2, residues 1403-1423): RLVKPVEKLK[Asp1413Asn]QLREVLQPIG